The following is an entry in ClinVar:

NC_000002.11:g.(?_211456088)_(211479828_?)dup

Gene: CPS1 (carbamoyl-phosphate synthase 1; plus strand). Cytogenetic location: 2q34.
Variant type: Duplication.
Identifiers: ClinVar variation 2424290 (VCV002424290.4).

ClinVar aggregate classification (germline): Pathogenic (1 of 4 stars; one submission).

Conditions:
Congenital hyperammonemia, type I. Also called: Carbamoyl-phosphate synthase I deficiency; CPS I DEFICIENCY; Carbamoyl phosphate synthetase I deficiency disease; Carbamoyl phosphate synthetase 1 deficiency; Hyperammonemia due to carbamoyl phosphate synthetase 1 deficiency; CPS 1 deficiency. Identifiers: Orphanet 147, MedGen C4082171, MONDO:0009376, OMIM 237300.

Submission:

Labcorp Genetics (formerly Invitae), Labcorp
Classification: Pathogenic for Congenital hyperammonemia, type I. Last evaluated: 2021-12-06. Review status: criteria provided, single submitter. Criteria: Invitae Variant Classification Sherloc (09022015). Collection method: clinical testing. Allele origin: germline.
Comment: For these reasons, this variant has been classified as Pathogenic. This variant has not been reported in the literature in individuals affected with CPS1-related conditions. This sequence change is a complex rearrangement involving exons 10-20 of the CPS1 gene. Although the exact nature of the event is unknown, it likely involves deletion and/or inversion of these exons.